The following is an entry in ClinVar:

ClinVar aggregate classification (germline): Benign (1 of 4 stars; one submission).

Allele frequency attached by ClinVar (database versions not stated): gnomAD 0.40167 and 0.40646; 1000 Genomes Project 30x 0.52733; 1000 Genomes Project 0.53235.
gnomAD v4.1: 59,095 of 145,954 alleles (40%); highest among the groups gnomAD compares: East Asian, 84%; 12,746 homozygotes.

Submission:

GeneDx
Classification: Benign. Last evaluated: 2018-06-14. Review status: criteria provided, single submitter. Criteria: GeneDx Variant Classification (06012015). Collection method: clinical testing. Allele origin: germline. Affected: yes.
Comment: This variant is considered likely benign or benign based on one or more of the following criteria: it is a conservative change, it occurs at a poorly conserved position in the protein, it is predicted to be benign by multiple in silico algorithms, and/or has population frequency not consistent with disease.

NM_017617.5(NOTCH1):c.1555+272C>T

Gene: NOTCH1 (notch receptor 1; minus strand). Cytogenetic location: 9q34.3.
Variant type: single nucleotide variant.
Coding change: c.1555+272C>T on transcript NM_017617.5 (MANE Select); 272 bases into the intron after coding-DNA position 1555, C replaced by T.
Molecular consequence: intron variant.
Genome position (GRCh38, 1-based): chr9:136,517,000, G>A on the plus strand (C>T on the coding strand, the complement: NOTCH1 is on the minus strand). VCF-style: chr9-136517000-G-A. GRCh37 (hg19) VCF-style: chr9-139411452-G-A.
Identifiers: ClinVar variation 680697 (VCV000680697.1), dbSNP rs3125008, ClinGen allele CA13022452.
Genomic context (GRCh38, chr9:136,517,000, plus strand): 5'-GCCCAGGGGCAGGGGACACAACCTACGGCCAGGCACCCCTCAGGAGGCCGGGGTGCAGAC[G>A]GCCCAGGGGCAGGGGACACAATCCACGGCCAGGCCCCCCTCAGGAGGCCGGGGTGCAGAC-3'